The following is an entry in ClinVar:

NM_002815.4(PSMD11):c.570A>C (p.Leu190Phe)

Gene: PSMD11 (proteasome 26S subunit, non-ATPase 11; plus strand). Cytogenetic location: 17q11.2.
Variant type: single nucleotide variant.
Coding change: c.570A>C on transcript NM_002815.4 (MANE Select); coding-DNA position 570, A replaced by C.
Protein change: p.Leu190Phe; replaces leucine 190 with phenylalanine.
Molecular consequence: missense variant.
Genome position (GRCh38, 1-based): chr17:32,469,120, A>C. VCF-style: chr17-32469120-A-C. GRCh37 (hg19) VCF-style: chr17-30796138-A-C.
Other names: c.570A>C, p.Leu190Phe (NM_001270482.2); short protein forms L190F.
Identifiers: ClinVar variation 4538792 (VCV004538792.1).

ClinVar aggregate classification (germline): Uncertain significance (1 of 4 stars; one submission).

Submission:

GeneDx
Classification: Uncertain significance. Last evaluated: 2025-06-18. Review status: criteria provided, single submitter. Criteria: GeneDx Variant Classification Process June 2021. Collection method: clinical testing. Allele origin: germline. Affected: yes.
Comment: Not observed at significant frequency in large population cohorts (gnomAD); In silico analysis supports that this missense variant has a deleterious effect on protein structure/function; Has not been previously published as pathogenic or benign to our knowledge